The following is an entry in ClinVar:

ClinVar aggregate classification (germline): Uncertain significance. Review status: criteria provided, multiple submitters, no conflicts (2 of 4 stars). 3 submissions from 3 submitters: Uncertain significance (2). 1 of the submissions does not count toward it. Last evaluated 2026-01-25.

Conditions:
Paget disease of bone 2, early-onset (PDB2). Also called: Paget disease of bone 2. Identifiers: MedGen C4085251, MONDO:0011183, OMIM 602080.
Frontotemporal dementia and/or amyotrophic lateral sclerosis 1 (FTDALS1). Also called: Frontotemporal dementia with motor neuron disease 1; C9orf72 Frontotemporal Dementia and/or Amyotrophic Lateral Sclerosis. Identifiers: Orphanet 275872, MedGen C5779877, MONDO:0007105, OMIM 105550.
Inborn genetic diseases. Identifiers: MedGen C0950123, MeSH D030342.
Amyotrophic lateral sclerosis (ALS). Also called: Charcot disease; Lou Gehrig disease. Identifiers: Orphanet 803, MedGen C0002736, MONDO:0004976, HP:0007354.

Allele frequency attached by ClinVar (database versions not stated): TOPMed below 0.00001; ExAC 0.00001; gnomAD 0.00001; gnomAD exomes 0.00001.

Submissions (3):

Labcorp Genetics (formerly Invitae), Labcorp
Classification: Uncertain significance for Paget disease of bone 2, early-onset; Frontotemporal dementia and/or amyotrophic lateral sclerosis 1. Last evaluated: 2026-01-25. Review status: criteria provided, single submitter. Criteria: Invitae Variant Classification Sherloc (09022015). Collection method: clinical testing. Allele origin: germline.
Comment: This sequence change replaces isoleucine, which is neutral and non-polar, with valine, which is neutral and non-polar, at codon 257 of the SQSTM1 protein (p.Ile257Val). This variant is present in population databases (rs778679611, gnomAD 0.003%). This missense change has been observed in individual(s) with amyotrophic lateral sclerosis (PMID: 36549973). ClinVar contains an entry for this variant (Variation ID: 1392396). Invitae Evidence Modeling of protein sequence and biophysical properties (such as structural, functional, and spatial information, amino acid conservation, physicochemical variation, residue mobility, and thermodynamic stability) indicates that this missense variant is not expected to disrupt SQSTM1 protein function with a negative predictive value of 80%. In summary, the available evidence is currently insufficient to determine the role of this variant in disease. Therefore, it has been classified as a Variant of Uncertain Significance.

Ambry Genetics
Classification: Uncertain significance for Inborn genetic diseases. Last evaluated: 2022-08-01. Review status: criteria provided, single submitter. Criteria: Ambry Variant Classification Scheme 2023. Collection method: clinical testing. Allele origin: germline.

UM ALS/MND Lab, University Of Malta
Classification: Uncertain significance for Amyotrophic lateral sclerosis. Last evaluated: 2022-07-01. Review status: no assertion criteria provided. Collection method: research. Allele origin: unknown. Inheritance: Sporadic. Affected: yes. Observed: 1 heterozygote. Not counted in ClinVar's aggregate classification.

Literature cited by the submitters: PubMed 36549973 (cited by Labcorp Genetics (formerly Invitae), Labcorp).

NM_003900.5(SQSTM1):c.769A>G (p.Ile257Val)

Gene: SQSTM1 (sequestosome 1; plus strand). Cytogenetic location: 5q35.3.
Variant type: single nucleotide variant.
Coding change: c.769A>G on transcript NM_003900.5 (MANE Select); coding-DNA position 769, A replaced by G.
Protein change: p.Ile257Val; replaces isoleucine 257 with valine.
Molecular consequence: missense variant.
Genome position (GRCh38, 1-based): chr5:179,833,046, A>G. VCF-style: chr5-179833046-A-G. GRCh37 (hg19) VCF-style: chr5-179260046-A-G.
Other names: c.517A>G, p.Ile173Val (NM_001142298.2, NM_001142299.2); c.769A>G (NM_003900.4); short protein forms I173V, I257V.
Identifiers: ClinVar variation 1392396 (VCV001392396.37), dbSNP rs778679611, ClinGen allele CA3600672.
Genomic context (GRCh38, chr5:179,833,046, plus strand): 5'-TCCTTGGGGGAACTTCACGGCTTGCTCTTTCCTCCTCCGCCTCTAGGCATTGAAGTTGAT[A>G]TCGATGTGGAGCACGGAGGGAAAAGAAGCCGCCTGACCCCCGTCTCTCCAGAGAGTTCCA-3'
Protein context (NP_003891.1, residues 247-267): ALSPLGIEVD[Ile257Val]DVEHGGKRSR